The following is an entry in ClinVar:

NM_020458.4(TTC7A):c.591C>G (p.Ile197Met)

Genes: TTC7A (tetratricopeptide repeat domain 7A; plus strand), LOC126806211 (CDK7 strongly-dependent group 2 enhancer GRCh37_chr2:47201305-47202504; plus strand). Cytogenetic location: 2p21.
Variant type: single nucleotide variant.
Coding change: c.591C>G on transcript NM_020458.4 (MANE Select); coding-DNA position 591, C replaced by G.
Protein change: p.Ile197Met; replaces isoleucine 197 with methionine.
Molecular consequence: missense variant. On other transcripts: 5 prime UTR variant (1).
Genome position (GRCh38, 1-based): chr2:46,975,046, C>G. VCF-style: chr2-46975046-C-G. GRCh37 (hg19) VCF-style: chr2-47202185-C-G.
Other names: c.591C>G, p.Ile197Met (NM_001288951.2); c.489C>G, p.Ile163Met (NM_001288953.2); c.-314C>G (NM_001288955.2); short protein forms I197M, I163M.
Identifiers: ClinVar variation 1524790 (VCV001524790.5), dbSNP rs1673737073, ClinGen allele CA346723121.
Genomic context (GRCh38, chr2:46,975,046, plus strand): 5'-ACGCCTACCCAACTCCATCGCCTCCCGCTTCCGCCTGACAGAGAGGGAGGAGGAAGTGAT[C>G]ACCTGTTTTGAGAGGGCCTCCTGGATCGCTCAGGTGTTCCTGCAGGAATTGGAGAAGGTG-3'
Protein context (NP_065191.2, residues 187-207): FRLTEREEEV[Ile197Met]TCFERASWIA

ClinVar aggregate classification (germline): Uncertain significance (1 of 4 stars; one submission).

Conditions:
Multiple gastrointestinal atresias. Also called: FAMILIAL INTESTINAL POLYATRESIA SYNDROME; Multiple intestinal atresia. Identifiers: Orphanet 2300, MedGen C0220744, MONDO:0009465.

gnomAD v4.1: 13 of 1,614,026 alleles (0.00081%); highest among the groups gnomAD compares: Non-Finnish European, 0.00093%; no homozygotes.

Submission:

Labcorp Genetics (formerly Invitae), Labcorp
Classification: Uncertain significance for Multiple gastrointestinal atresias. Last evaluated: 2021-09-01. Review status: criteria provided, single submitter. Criteria: Invitae Variant Classification Sherloc (09022015). Collection method: clinical testing. Allele origin: germline.
Comment: In summary, the available evidence is currently insufficient to determine the role of this variant in disease. Therefore, it has been classified as a Variant of Uncertain Significance. Algorithms developed to predict the effect of missense changes on protein structure and function (SIFT, PolyPhen-2, Align-GVGD) all suggest that this variant is likely to be tolerated. This variant has not been reported in the literature in individuals affected with TTC7A-related conditions. This variant is not present in population databases (ExAC no frequency). This sequence change replaces isoleucine with methionine at codon 197 of the TTC7A protein (p.Ile197Met). The isoleucine residue is weakly conserved and there is a small physicochemical difference between isoleucine and methionine.